The following is an entry in ClinVar:

NM_001378454.1(ALMS1):c.11143A>G (p.Lys3715Glu)

Gene: ALMS1 (ALMS1 centrosome and basal body associated protein; plus strand). Cytogenetic location: 2p13.1.
Variant type: single nucleotide variant.
Coding change: c.11143A>G on transcript NM_001378454.1 (MANE Select); coding-DNA position 11143, A replaced by G.
Protein change: p.Lys3715Glu; replaces lysine 3715 with glutamic acid.
Molecular consequence: missense variant.
Genome position (GRCh38, 1-based): chr2:73,573,020, A>G. VCF-style: chr2-73573020-A-G. GRCh37 (hg19) VCF-style: chr2-73800147-A-G.
Other names: c.11146A>G, p.Lys3716Glu (NM_015120.4); short protein forms K3716E, K3715E.
Identifiers: ClinVar variation 373605 (VCV000373605.4), dbSNP rs765505349, ClinGen allele CA1715128.

ClinVar aggregate classification (germline): Uncertain significance. Review status: criteria provided, multiple submitters, no conflicts (2 of 4 stars). 3 submissions from 3 submitters: Uncertain significance (2). 1 of the submissions does not count toward it. Last evaluated 2022-07-23.

Conditions:
Alstrom syndrome (ALMS). Identifiers: Orphanet 64, MedGen C0268425, MONDO:0008763, OMIM 203800.

Allele frequency attached by ClinVar (database versions not stated): gnomAD exomes below 0.00001 and 0.00001; ExAC 0.00002.
gnomAD v4.1: 4 of 1,614,076 alleles (0.00025%); highest among the groups gnomAD compares: East Asian, 0.0067%; no homozygotes.

Submissions (3):

Labcorp Genetics (formerly Invitae), Labcorp
Classification: Uncertain significance for Alstrom syndrome. Last evaluated: 2022-07-23. Review status: criteria provided, single submitter. Criteria: Invitae Variant Classification Sherloc (09022015). Collection method: clinical testing. Allele origin: germline.
Comment: This sequence change replaces lysine, which is basic and polar, with glutamic acid, which is acidic and polar, at codon 3716 of the ALMS1 protein (p.Lys3716Glu). This variant is present in population databases (rs765505349, gnomAD 0.02%). This variant has not been reported in the literature in individuals affected with ALMS1-related conditions. ClinVar contains an entry for this variant (Variation ID: 373605). Experimental studies and prediction algorithms are not available or were not evaluated, and the functional significance of this variant is currently unknown. In summary, the available evidence is currently insufficient to determine the role of this variant in disease. Therefore, it has been classified as a Variant of Uncertain Significance.

GeneDx
Classification: Uncertain significance. Last evaluated: 2016-11-30. Review status: criteria provided, single submitter. Criteria: GeneDx Variant Classification (06012015). Collection method: clinical testing. Allele origin: germline. Affected: yes.
Comment: A variant of uncertain significance has been identified in the ALMS1 gene. The K3716E variant has not been published as a pathogenic variant, nor has it been reported as a benign variant to our knowledge. This variant was not observed in approximately 5,900 individuals of European and African American ancestry in the NHLBI Exome Sequencing Project, indicating it is not a common benign variant in these populations. Furthermore, this substitution occurs at a position that is conserved in mammals, and K3716E is a non-conservative amino acid substitution, which is likely to impact secondary protein structure as these residues differ in polarity, charge, size and/or other properties. However, in silico analysis is inconsistent in its predictions as to whether or not the variant is damaging to the protein structure/function.Therefore, based on the currently available information, it is unclear whether this variant is pathogenic or rare benign.

Natera, Inc.
Classification: Uncertain significance for Alstrom syndrome. Last evaluated: 2021-05-10. Review status: no assertion criteria provided. Collection method: clinical testing. Allele origin: germline. Not counted in ClinVar's aggregate classification.